The following is an entry in ClinVar:

NM_020822.3(KCNT1):c.1236G>A (p.Met412Ile)

Gene: KCNT1 (potassium sodium-activated channel subfamily T member 1; plus strand). Cytogenetic location: 9q34.3.
Variant type: single nucleotide variant.
Coding change: c.1236G>A on transcript NM_020822.3 (MANE Select); coding-DNA position 1236, G replaced by A.
Protein change: p.Met412Ile; replaces methionine 412 with isoleucine.
Molecular consequence: missense variant.
Genome position (GRCh38, 1-based): chr9:135,765,659, G>A. VCF-style: chr9-135765659-G-A. GRCh37 (hg19) VCF-style: chr9-138657505-G-A.
Other names: c.1101G>A, p.Met367Ile (NM_001272003.2); short protein forms M367I, M412I.
Identifiers: ClinVar variation 1392117 (VCV001392117.6), dbSNP rs2131477505, ClinGen allele CA375501248.

ClinVar aggregate classification (germline): Uncertain significance (1 of 4 stars; one submission).

Conditions:
Autosomal dominant nocturnal frontal lobe epilepsy 5. Also called: CILIARY DYSKINESIA, PRIMARY, 28, WITH SITUS INVERSUS; KCNT1-Related Epilepsy; CILIARY DYSKINESIA, PRIMARY, 28, WITHOUT SITUS INVERSUS; Epilepsy, nocturnal frontal lobe, 5. Identifiers: Orphanet 98784, MedGen C3554306, MONDO:0014002, OMIM 615005.
Developmental and epileptic encephalopathy, 14 (DEE14). Also called: Early infantile epileptic encephalopathy 14. Identifiers: Orphanet 293181, MedGen C3554195, MONDO:0013989, OMIM 614959.

Allele frequency attached by ClinVar (database versions not stated): gnomAD exomes below 0.00001.
gnomAD v4.1: 2 of 1,611,006 alleles (0.00012%); highest among the groups gnomAD compares: Non-Finnish European, 0.00017%; no homozygotes.

Submission:

Labcorp Genetics (formerly Invitae), Labcorp
Classification: Uncertain significance for Autosomal dominant nocturnal frontal lobe epilepsy 5; Developmental and epileptic encephalopathy, 14. Last evaluated: 2021-12-14. Review status: criteria provided, single submitter. Criteria: Invitae Variant Classification Sherloc (09022015). Collection method: clinical testing. Allele origin: germline.
Comment: In summary, the available evidence is currently insufficient to determine the role of this variant in disease. Therefore, it has been classified as a Variant of Uncertain Significance. Algorithms developed to predict the effect of missense changes on protein structure and function (SIFT, PolyPhen-2, Align-GVGD) all suggest that this variant is likely to be tolerated. This variant has not been reported in the literature in individuals affected with KCNT1-related conditions. This variant is not present in population databases (gnomAD no frequency). This sequence change replaces methionine, which is neutral and non-polar, with isoleucine, which is neutral and non-polar, at codon 412 of the KCNT1 protein (p.Met412Ile).